The following is an entry in ClinVar:

ClinVar aggregate classification (germline): Uncertain significance (1 of 4 stars; one submission).

Allele frequency attached by ClinVar (database versions not stated): ExAC 0.00001; gnomAD exomes 0.00004; TOPMed 0.00005; gnomAD 0.00002.
gnomAD v4.1: 24 of 1,609,250 alleles (0.0015%); highest among the groups gnomAD compares: Admixed American, 0.04%; 1 homozygote.

Submission:

Labcorp Genetics (formerly Invitae), Labcorp
Classification: Uncertain significance. Last evaluated: 2026-01-28. Review status: criteria provided, single submitter. Criteria: Invitae Variant Classification Sherloc (09022015). Collection method: clinical testing. Allele origin: germline.
Comment: This sequence change affects a donor splice site in intron 11 of the ALPK1 gene. It is expected to disrupt RNA splicing. Variants that disrupt the donor or acceptor splice site typically lead to a loss of protein function (PMID: 16199547), however the current clinical and genetic evidence is not sufficient to establish whether loss-of-function variants in ALPK1 cause disease. This variant is present in population databases (rs758926378, gnomAD 0.03%). This variant has not been reported in the literature in individuals affected with ALPK1-related conditions. ClinVar contains an entry for this variant (Variation ID: 2864529). Algorithms developed to predict the effect of sequence changes on RNA splicing suggest that this variant may disrupt the consensus splice site. In summary, the available evidence is currently insufficient to determine the role of this variant in disease. Therefore, it has been classified as a Variant of Uncertain Significance.

Literature cited by the submitters: PubMed 16199547.

NM_025144.4(ALPK1):c.3034+1G>A

Gene: ALPK1 (alpha kinase 1; plus strand). Cytogenetic location: 4q25.
Variant type: single nucleotide variant.
Coding change: c.3034+1G>A on transcript NM_025144.4 (MANE Select); the canonical splice donor site of the intron after coding-DNA position 3034, G replaced by A.
Molecular consequence: splice donor variant.
Genome position (GRCh38, 1-based): chr4:112,432,582, G>A. VCF-style: chr4-112432582-G-A. GRCh37 (hg19) VCF-style: chr4-113353738-G-A.
Other names: c.3034+1G>A (NM_001102406.2); c.2800+1G>A (NM_001253884.2).
Identifiers: ClinVar variation 2864529 (VCV002864529.3), dbSNP rs758926378, ClinGen allele CA3047050.